The following is an entry in ClinVar:

ClinVar aggregate classification (germline): Uncertain significance. Review status: criteria provided, multiple submitters, no conflicts (2 of 4 stars). 2 submissions from 2 submitters: Uncertain significance (2). Last evaluated 2024-08-21.

Conditions:
Hereditary cancer-predisposing syndrome. Also called: Neoplastic Syndromes, Hereditary; Tumor predisposition; Hereditary Cancer Syndrome; Hereditary neoplastic syndrome. Identifiers: Orphanet 140162, MedGen C0027672, MeSH D009386, MONDO:0015356.

Submissions (2):

Ambry Genetics
Classification: Uncertain significance for Hereditary cancer-predisposing syndrome. Last evaluated: 2024-08-21. Review status: criteria provided, single submitter. Criteria: Ambry Variant Classification Scheme 2023. Collection method: clinical testing. Allele origin: germline.
Comment: The p.K976T variant (also known as c.2927A>C), located in coding exon 19 of the RAD50 gene, results from an A to C substitution at nucleotide position 2927. The lysine at codon 976 is replaced by threonine, an amino acid with similar properties. This amino acid position is conserved. In addition, the in silico prediction for this alteration is inconclusive. Based on the available evidence, the clinical significance of this variant remains unclear.

Labcorp Genetics (formerly Invitae), Labcorp
Classification: Uncertain significance for Hereditary cancer-predisposing syndrome. Last evaluated: 2022-12-02. Review status: criteria provided, single submitter. Criteria: Invitae Variant Classification Sherloc (09022015). Collection method: clinical testing. Allele origin: germline.
Comment: This variant is not present in population databases (gnomAD no frequency). This sequence change replaces lysine, which is basic and polar, with threonine, which is neutral and polar, at codon 976 of the RAD50 protein (p.Lys976Thr). This variant has not been reported in the literature in individuals affected with RAD50-related conditions. ClinVar contains an entry for this variant (Variation ID: 1714245). Advanced modeling of protein sequence and biophysical properties (such as structural, functional, and spatial information, amino acid conservation, physicochemical variation, residue mobility, and thermodynamic stability) performed at Invitae indicates that this missense variant is not expected to disrupt RAD50 protein function. Algorithms developed to predict the effect of sequence changes on RNA splicing suggest that this variant may create or strengthen a splice site. In summary, the available evidence is currently insufficient to determine the role of this variant in disease. Therefore, it has been classified as a Variant of Uncertain Significance.

NM_005732.4(RAD50):c.2927A>C (p.Lys976Thr)

Gene: RAD50 (RAD50 double strand break repair protein; plus strand). Cytogenetic location: 5q31.1.
Variant type: single nucleotide variant.
Coding change: c.2927A>C on transcript NM_005732.4 (MANE Select); coding-DNA position 2927, A replaced by C.
Protein change: p.Lys976Thr; replaces lysine 976 with threonine.
Molecular consequence: missense variant.
Genome position (GRCh38, 1-based): chr5:132,609,287, A>C. VCF-style: chr5-132609287-A-C. GRCh37 (hg19) VCF-style: chr5-131944979-A-C.
Other names: c.2927A>C (NM_005732.3); short protein forms K976T.
Identifiers: ClinVar variation 1714245 (VCV001714245.7), dbSNP rs2479371515, ClinGen allele CA360960211.